The following is an entry in ClinVar:

NM_001039213.4(CEACAM16):c.925G>A (p.Val309Met)

Genes: CEACAM16 (CEA cell adhesion molecule 16, tectorial membrane component; plus strand), CEACAM16-AS1 (CEACAM16, CEACAM19 and PVR antisense RNA 1; minus strand). Cytogenetic location: 19q13.32.
Variant type: single nucleotide variant.
Coding change: c.925G>A on transcript NM_001039213.4 (MANE Select); coding-DNA position 925, G replaced by A.
Protein change: p.Val309Met; replaces valine 309 with methionine.
Molecular consequence: missense variant.
Genome position (GRCh38, 1-based): chr19:44,705,853, G>A. VCF-style: chr19-44705853-G-A. GRCh37 (hg19) VCF-style: chr19-45209123-G-A.
Other names: c.925G>A (NM_001039213.2, NM_001039213.3); short protein forms V309M.
Identifiers: ClinVar variation 1400699 (VCV001400699.15), dbSNP rs545264324, ClinGen allele CA9503173.

ClinVar aggregate classification (germline): Uncertain significance. Review status: criteria provided, multiple submitters, no conflicts (2 of 4 stars). 3 submissions from 3 submitters: Uncertain significance (3). Last evaluated 2025-07-08.

Conditions:
CEACAM16-related disorder. Also called: CEACAM16-related condition.
Inborn genetic diseases. Identifiers: MedGen C0950123, MeSH D030342.

Allele frequency attached by ClinVar (database versions not stated): gnomAD exomes 0.00001 and 0.00007; ExAC 0.00003; gnomAD 0.00009 and 0.00011; TOPMed 0.00014; 1000 Genomes Project 30x 0.00016; 1000 Genomes Project 0.00020.
gnomAD v4.1: 36 of 1,612,270 alleles (0.0022%); highest among the groups gnomAD compares: Admixed American, 0.037%; no homozygotes.

Submissions (3):

PreventionGenetics, part of Exact Sciences
Classification: Uncertain significance for CEACAM16-related condition. Last evaluated: 2025-07-08. Review status: criteria provided, single submitter. Criteria: ACMG Guidelines, 2015. Collection method: clinical testing. Allele origin: germline.
Comment: The CEACAM16 c.925G>A variant is predicted to result in the amino acid substitution p.Val309Met. To our knowledge, this variant has not been reported in the literature. This variant is reported in 0.031% of alleles in individuals of Latino descent in gnomAD. At this time, the clinical significance of this variant is uncertain due to the absence of conclusive functional and genetic evidence.

Ambry Genetics
Classification: Uncertain significance for Inborn genetic diseases. Last evaluated: 2025-05-16. Review status: criteria provided, single submitter. Criteria: Ambry Variant Classification Scheme 2023. Collection method: clinical testing. Allele origin: germline.

Labcorp Genetics (formerly Invitae), Labcorp
Classification: Uncertain significance. Last evaluated: 2024-06-28. Review status: criteria provided, single submitter. Criteria: Invitae Variant Classification Sherloc (09022015). Collection method: clinical testing. Allele origin: germline.
Comment: This sequence change replaces valine, which is neutral and non-polar, with methionine, which is neutral and non-polar, at codon 309 of the CEACAM16 protein (p.Val309Met). This variant is present in population databases (rs545264324, gnomAD 0.03%). This variant has not been reported in the literature in individuals affected with CEACAM16-related conditions. ClinVar contains an entry for this variant (Variation ID: 1400699). Advanced modeling of protein sequence and biophysical properties (such as structural, functional, and spatial information, amino acid conservation, physicochemical variation, residue mobility, and thermodynamic stability) performed at Invitae indicates that this missense variant is not expected to disrupt CEACAM16 protein function with a negative predictive value of 80%. In summary, the available evidence is currently insufficient to determine the role of this variant in disease. Therefore, it has been classified as a Variant of Uncertain Significance.